The following is an entry in ClinVar:

ClinVar aggregate classification (germline): Uncertain significance. Review status: criteria provided, multiple submitters, no conflicts (2 of 4 stars). 2 submissions from 2 submitters: Uncertain significance (2). Last evaluated 2025-03-05.

Allele frequency attached by ClinVar (database versions not stated): ExAC 0.00003; gnomAD 0.00005; TOPMed 0.00005; ESP Exome Variant Server 0.00008; gnomAD exomes 0.00008.

Submissions (2):

Ambry Genetics
Classification: Uncertain significance. Last evaluated: 2025-03-05. Review status: criteria provided, single submitter. Criteria: Ambry Variant Classification Scheme 2023. Collection method: clinical testing. Allele origin: germline.

Labcorp Genetics (formerly Invitae), Labcorp
Classification: Uncertain significance. Last evaluated: 2024-08-31. Review status: criteria provided, single submitter. Criteria: Invitae Variant Classification Sherloc (09022015). Collection method: clinical testing. Allele origin: germline.
Comment: This sequence change replaces histidine, which is basic and polar, with tyrosine, which is neutral and polar, at codon 378 of the PPM1F protein (p.His378Tyr). This variant is present in population databases (rs377507736, gnomAD 0.02%). This variant has not been reported in the literature in individuals affected with PPM1F-related conditions. ClinVar contains an entry for this variant (Variation ID: 2454720). An algorithm developed to predict the effect of missense changes on protein structure and function (PolyPhen-2) suggests that this variant is likely to be tolerated. In summary, the available evidence is currently insufficient to determine the role of this variant in disease. Therefore, it has been classified as a Variant of Uncertain Significance.

NM_014634.4(PPM1F):c.1132C>T (p.His378Tyr)

Gene: PPM1F (protein phosphatase, Mg2+/Mn2+ dependent 1F; minus strand). Cytogenetic location: 22q11.22.
Variant type: single nucleotide variant.
Coding change: c.1132C>T on transcript NM_014634.4 (MANE Select); coding-DNA position 1132, C replaced by T.
Protein change: p.His378Tyr; replaces histidine 378 with tyrosine.
Molecular consequence: missense variant.
Genome position (GRCh38, 1-based): chr22:21,923,325, G>A on the plus strand (C>T on the coding strand, the complement: PPM1F is on the minus strand). VCF-style: chr22-21923325-G-A. GRCh37 (hg19) VCF-style: chr22-22277698-G-A.
Other names: c.628C>T, p.His210Tyr (NM_001410836.1); short protein forms H378Y, H210Y.
Identifiers: ClinVar variation 2454720 (VCV002454720.5), dbSNP rs377507736, ClinGen allele CA10124870.